The following is an entry in ClinVar:

NM_030632.3(ASXL3):c.6351A>G (p.Leu2117=)

Gene: ASXL3 (ASXL transcriptional regulator 3; plus strand). Cytogenetic location: 18q12.1.
Variant type: single nucleotide variant.
Coding change: c.6351A>G on transcript NM_030632.3 (MANE Select); coding-DNA position 6351, A replaced by G.
Protein change: p.Leu2117=; no amino-acid change (leucine 2117 retained).
Molecular consequence: synonymous variant.
Genome position (GRCh38, 1-based): chr18:33,746,199, A>G. VCF-style: chr18-33746199-A-G. GRCh37 (hg19) VCF-style: chr18-31326163-A-G.
Identifiers: ClinVar variation 4938610 (VCV004938610.2).

ClinVar aggregate classification (germline): Likely benign. Review status: criteria provided, multiple submitters, no conflicts (2 of 4 stars). 2 submissions from 2 submitters: Likely benign (2). Last evaluated 2026-08-01.

gnomAD v4.1: 16 of 1,613,830 alleles (0.00099%); highest among the groups gnomAD compares: Non-Finnish European, 0.0014%; no homozygotes.

Submissions (2):

CeGaT Center for Human Genetics Tuebingen
Classification: Likely benign. Last evaluated: 2026-08-01. Review status: criteria provided, single submitter. Criteria: CeGaT Center For Human Genetics Tuebingen Variant Classification Criteria Version 2. Collection method: clinical testing. Allele origin: germline. Affected: yes. Observed: 1 variant allele.
Comment: ASXL3: BP4, BP7

Blueprint Genetics
Classification: Likely benign. Last evaluated: 2024-10-21. Review status: criteria provided, single submitter. Criteria: ACMG Guidelines, 2015. Collection method: clinical testing. Allele origin: germline.